The following is an entry in ClinVar:

ClinVar aggregate classification (germline): Pathogenic (1 of 4 stars; one submission).

Conditions:
Joubert syndrome. Also called: CEREBELLOPARENCHYMAL DISORDER IV; JOUBERT-BOLTSHAUSER SYNDROME; Familial aplasia of the vermis. Identifiers: Orphanet 475, MedGen C5979921, MONDO:0018772.

Submission:

Labcorp Genetics (formerly Invitae), Labcorp
Classification: Pathogenic for Joubert syndrome. Last evaluated: 2022-12-31. Review status: criteria provided, single submitter. Criteria: Invitae Variant Classification Sherloc (09022015). Collection method: clinical testing. Allele origin: germline.
Comment: This sequence change creates a premature translational stop signal (p.Asn103Ilefs*3) in the AHI1 gene. It is expected to result in an absent or disrupted protein product. Loss-of-function variants in AHI1 are known to be pathogenic (PMID: 15322546, 16453322, 28442542, 29186038). This variant is not present in population databases (gnomAD no frequency). This variant has not been reported in the literature in individuals affected with AHI1-related conditions. For these reasons, this variant has been classified as Pathogenic.

Literature cited by the submitters: PubMed 15322546; PubMed 16453322; PubMed 28442542; PubMed 29186038.

NM_001134831.2(AHI1):c.307_308insTAAATTGAGGA (p.Asn103delinsIleAsnTer)

Gene: AHI1 (Abelson helper integration site 1; minus strand). Cytogenetic location: 6q23.3.
Variant type: Insertion.
Coding change: c.307_308insTAAATTGAGGA on transcript NM_001134831.2 (MANE Select); coding-DNA positions 307 to 308, TAAATTGAGGA inserted.
Protein change: p.Asn103delinsIleAsnTer.
Molecular consequence: nonsense.
Genome position: GRCh38 VCF-style: chr6-135466255-T-TTCCTCAATTTA. GRCh37 (hg19) VCF-style: chr6-135787393-T-TTCCTCAATTTA.
Other names: c.307_308insTAAATTGAGGA, p.Asn103delinsIleAsnTer (NM_001134830.2, NM_001134832.2, NM_001350503.2 and 2 more transcripts).
Identifiers: ClinVar variation 2825616 (VCV002825616.3), dbSNP rs2485021945, ClinGen allele CA2739266169.
Genomic context (GRCh38, chr6:135,466,255, plus strand): 5'-CCTTGTTTGTCTTCCTCTACACTAGCATCACCATTAGGATTTTCAGTTGCTAACTGTGTG[T>TTCCTCAATTTA]TCCTCAATTTGTTTTTAGTGACTCTCGTGCTCTTCTTCAGGTTGTTAGTGTTAGCAGCAC-3'